The following is an entry in ClinVar:

ClinVar aggregate classification (germline): Pathogenic/Likely pathogenic. Review status: criteria provided, multiple submitters, no conflicts (2 of 4 stars). 5 submissions from 5 submitters: Pathogenic (1); Likely pathogenic (2). 2 of the submissions do not count toward it. Last evaluated 2025-01-20.

Conditions:
Autism, susceptibility to, 17. Also called: Autism susceptibility 17. Identifiers: MedGen C3150693, MONDO:0013265, OMIM 613436.
Intellectual disability. Also called: Intellectual functioning disability; intellectual disabilities; Intellectual developmental disorder. Identifiers: MedGen C3714756, MeSH D008607, MONDO:0001071, HP:0001249.

Submissions (5):

3billion
Classification: Pathogenic for Autism, susceptibility to, 17. Last evaluated: 2025-01-20. Review status: criteria provided, single submitter. Criteria: ACMG Guidelines, 2015. Collection method: clinical testing. Allele origin: germline. Affected: yes.
Comment: The variant is not observed in the gnomAD v4.1.0 dataset. Predicted Consequence/Location: Canonical splice site: predicted to alter splicing and result in a loss or disruption of normal protein function. Multiple pathogenic loss-of-function variants are reported downstream of the variant. In silico tools predict the variant to alter splicing and produce an abnormal transcript [SpliceAI: 0.97 (spliceogenicity >=0.2, non-spliceogenicity <0.1)]. The variant has been reported at least twice as pathogenic without evidence for the classification (ClinVar ID: VCV001027663). Therefore, this variant is classified as Pathogenic according to the recommendation of ACMG/AMP guideline.

Human Genetics Bochum, Ruhr University Bochum
Classification: Likely pathogenic for Autism, susceptibility to, 17. Last evaluated: 2024-11-18. Review status: criteria provided, single submitter. Criteria: ACMG Guidelines, 2015. Collection method: clinical testing. Allele origin: germline. Affected: yes.
Comment: ACMG criteria used to clasify this variant: PVS1, PM2_SUP

Institute of Human Genetics, Clinical Exome/Genome Diagnostics Group, University Hospital Bonn
Classification: Likely pathogenic for Autism, susceptibility to, 17. Last evaluated: 2021-06-14. Review status: criteria provided, single submitter. Criteria: ACMG Guidelines, 2015. Collection method: clinical testing. Allele origin: inherited. Affected: yes.
Comment: PVS1, PM2

Cytogénomique, Hospices Civils de Lyon
Classification: Pathogenic for Autism, susceptibility to, 17. Review status: no assertion criteria provided. Collection method: clinical testing. Allele origin: unknown. Inheritance: Autosomal dominant inheritance. Affected: yes. Not counted in ClinVar's aggregate classification.

Institute of Human Genetics, University of Wuerzburg
Classification: Likely pathogenic for Intellectual disability. Review status: no assertion criteria provided. Collection method: clinical testing. Allele origin: unknown. Not counted in ClinVar's aggregate classification.

NM_012309.5(SHANK2):c.2439+1G>A

Gene: SHANK2 (SH3 and multiple ankyrin repeat domains 2; minus strand). Cytogenetic location: 11q13.3.
Variant type: single nucleotide variant.
Coding change: c.2439+1G>A on transcript NM_012309.5 (MANE Select); the canonical splice donor site of the intron after coding-DNA position 2439, G replaced by A.
Molecular consequence: splice donor variant.
Genome position (GRCh38, 1-based): chr11:70,492,334, C>T on the plus strand (G>A on the coding strand, the complement: SHANK2 is on the minus strand). VCF-style: chr11-70492334-C-T. GRCh37 (hg19) VCF-style: chr11-70338439-C-T.
Other names: c.1302+1G>A (NM_001379226.1); c.675+1G>A (NM_133266.5).
Identifiers: ClinVar variation 1027663 (VCV001027663.5), dbSNP rs2058899044, ClinGen allele CA381691462.